The following is an entry in ClinVar:

NM_001710.6(CFB):c.1135C>T (p.Arg379Cys)

Gene: CFB (complement factor B; plus strand). Cytogenetic location: 6p21.33.
Variant type: single nucleotide variant.
Coding change: c.1135C>T on transcript NM_001710.6 (MANE Select); coding-DNA position 1135, C replaced by T.
Protein change: p.Arg379Cys; replaces arginine 379 with cysteine.
Molecular consequence: missense variant.
Genome position (GRCh38, 1-based): chr6:31,948,928, C>T. VCF-style: chr6-31948928-C-T. GRCh37 (hg19) VCF-style: chr6-31916705-C-T.
Other names: short protein forms R379C.
Identifiers: ClinVar variation 2152008 (VCV002152008.5), dbSNP rs781563498, ClinGen allele CA3728239.

ClinVar aggregate classification (germline): Uncertain significance. Review status: criteria provided, multiple submitters, no conflicts (2 of 4 stars). 2 submissions from 2 submitters: Uncertain significance (2). Last evaluated 2025-09-26.

Conditions:
Atypical hemolytic-uremic syndrome. Identifiers: Orphanet 2134, MedGen C2931788, MONDO:0016244.

gnomAD v4.1: 25 of 1,612,600 alleles (0.0016%); highest among the groups gnomAD compares: East Asian, 0.0067%; no homozygotes.

Submissions (2):

Genomenon, Inc
Classification: Uncertain significance for Atypical hemolytic-uremic syndrome. Last evaluated: 2025-09-26. Review status: criteria provided, single submitter. Criteria: Genomenon Sequence Variant Interpretation Standards - Updated. Collection method: curation. Allele origin: germline. Affected: yes.
Comment: CFB p.Arg379Cys (c.1135C>T) is a missense variant that changes the amino acid at residue 379 from Arginine to Cysteine. This variant has been observed in at least one proband affected with atypical hemolytic-uremic syndrome (PMID:28056875). It is absent or not present at a significant frequency in gnomAD. In conclusion, we classify CFB p.Arg379Cys (c.1135C>T) as a variant of uncertain significance.

Labcorp Genetics (formerly Invitae), Labcorp
Classification: Uncertain significance. Last evaluated: 2022-10-03. Review status: criteria provided, single submitter. Criteria: Invitae Variant Classification Sherloc (09022015). Collection method: clinical testing. Allele origin: germline.
Comment: In summary, the available evidence is currently insufficient to determine the role of this variant in disease. Therefore, it has been classified as a Variant of Uncertain Significance. Advanced modeling of protein sequence and biophysical properties (such as structural, functional, and spatial information, amino acid conservation, physicochemical variation, residue mobility, and thermodynamic stability) performed at Invitae indicates that this missense variant is not expected to disrupt CFB protein function. This missense change has been observed in individual(s) with atypical hemolytic uremic syndrome (PMID: 28056875). This variant is present in population databases (rs781563498, gnomAD 0.007%). This sequence change replaces arginine, which is basic and polar, with cysteine, which is neutral and slightly polar, at codon 379 of the CFB protein (p.Arg379Cys).

Literature cited by the submitters: PubMed 28056875 (cited by Genomenon, Inc and Labcorp Genetics (formerly Invitae), Labcorp).